The following is an entry in ClinVar:

NM_000540.3(RYR1):c.7180G>T (p.Gly2394Cys)

Gene: RYR1 (ryanodine receptor 1; plus strand). Cytogenetic location: 19q13.2.
Variant type: single nucleotide variant.
Coding change: c.7180G>T on transcript NM_000540.3 (MANE Select); coding-DNA position 7180, G replaced by T.
Protein change: p.Gly2394Cys; replaces glycine 2394 with cysteine.
Molecular consequence: missense variant.
Genome position (GRCh38, 1-based): chr19:38,499,787, G>T. VCF-style: chr19-38499787-G-T. GRCh37 (hg19) VCF-style: chr19-38990427-G-T.
Other names: c.7180G>T, p.Gly2394Cys (NM_001042723.2); short protein forms G2394C.
Identifiers: ClinVar variation 2766023 (VCV002766023.3), dbSNP rs1970019960, ClinGen allele CA405668682.

ClinVar aggregate classification (germline): Uncertain significance (1 of 4 stars; one submission).

Conditions:
RYR1-related disorder. Also called: RYR1-related condition; RYR1-related disorders. Identifiers: MedGen CN239331.

Submission:

Labcorp Genetics (formerly Invitae), Labcorp
Classification: Uncertain significance for RYR1-related disorder. Last evaluated: 2024-02-23. Review status: criteria provided, single submitter. Criteria: Invitae Variant Classification Sherloc (09022015). Collection method: clinical testing. Allele origin: germline.
Comment: This sequence change replaces glycine, which is neutral and non-polar, with cysteine, which is neutral and slightly polar, at codon 2394 of the RYR1 protein (p.Gly2394Cys). This variant is not present in population databases (gnomAD no frequency). This variant has not been reported in the literature in individuals affected with RYR1-related conditions. Advanced modeling of protein sequence and biophysical properties (such as structural, functional, and spatial information, amino acid conservation, physicochemical variation, residue mobility, and thermodynamic stability) has been performed at Invitae for this missense variant, however the output from this modeling did not meet the statistical confidence thresholds required to predict the impact of this variant on RYR1 protein function. In summary, the available evidence is currently insufficient to determine the role of this variant in disease. Therefore, it has been classified as a Variant of Uncertain Significance.